The following is an entry in ClinVar:

NM_005419.4(STAT2):c.1028G>A (p.Arg343Gln)

Gene: STAT2 (signal transducer and activator of transcription 2; minus strand). Cytogenetic location: 12q13.3.
Variant type: single nucleotide variant.
Coding change: c.1028G>A on transcript NM_005419.4 (MANE Select); coding-DNA position 1028, G replaced by A.
Protein change: p.Arg343Gln; replaces arginine 343 with glutamine.
Molecular consequence: missense variant.
Genome position (GRCh38, 1-based): chr12:56,351,104, C>T on the plus strand (G>A on the coding strand, the complement: STAT2 is on the minus strand). VCF-style: chr12-56351104-C-T. GRCh37 (hg19) VCF-style: chr12-56744888-C-T.
Other names: c.1016G>A, p.Arg339Gln (NM_001385110.1, NM_001385115.1, NM_198332.2); c.1028G>A, p.Arg343Gln (NM_001385111.1, NM_001385113.1, NM_001385114.1); short protein forms R339Q, R343Q.
Identifiers: ClinVar variation 2171309 (VCV002171309.1), dbSNP rs897268737, ClinGen allele CA237652418.

ClinVar aggregate classification (germline): Uncertain significance (1 of 4 stars; one submission).

Conditions:
Primary immunodeficiency with post-measles-mumps-rubella vaccine viral infection. Also called: Immunodeficiency 44. Identifiers: Orphanet 431166, MedGen C4225260, MONDO:0014715, OMIM 616636.

Allele frequency attached by ClinVar (database versions not stated): gnomAD exomes 0.00001; TOPMed 0.00001.
gnomAD v4.1: 9 of 1,613,598 alleles (0.00056%); highest among the groups gnomAD compares: Non-Finnish European, 0.00076%; no homozygotes.

Submission:

Labcorp Genetics (formerly Invitae), Labcorp
Classification: Uncertain significance for Primary immunodeficiency with post-measles-mumps-rubella vaccine viral infection. Last evaluated: 2022-03-13. Review status: criteria provided, single submitter. Criteria: Invitae Variant Classification Sherloc (09022015). Collection method: clinical testing. Allele origin: germline.
Comment: This sequence change replaces arginine, which is basic and polar, with glutamine, which is neutral and polar, at codon 343 of the STAT2 protein (p.Arg343Gln). This variant is not present in population databases (gnomAD no frequency). This variant has not been reported in the literature in individuals affected with STAT2-related conditions. Algorithms developed to predict the effect of missense changes on protein structure and function output the following: SIFT: "Tolerated"; PolyPhen-2: "Benign"; Align-GVGD: "Class C0". The glutamine amino acid residue is found in multiple mammalian species, which suggests that this missense change does not adversely affect protein function. In summary, the available evidence is currently insufficient to determine the role of this variant in disease. Therefore, it has been classified as a Variant of Uncertain Significance.